The following is an entry in ClinVar:

NM_007294.4(BRCA1):c.4430T>A (p.Phe1477Tyr)

Gene: BRCA1 (BRCA1 DNA repair associated; minus strand). Cytogenetic location: 17q21.31.
Variant type: single nucleotide variant.
Coding change: c.4430T>A on transcript NM_007294.4 (MANE Select); coding-DNA position 4430, T replaced by A.
Protein change: p.Phe1477Tyr; replaces phenylalanine 1477 with tyrosine.
Molecular consequence: missense variant. On other transcripts: intron variant (3).
Genome position (GRCh38, 1-based): chr17:43,076,542, A>T on the plus strand (T>A on the coding strand, the complement: BRCA1 is on the minus strand). VCF-style: chr17-43076542-A-T. GRCh37 (hg19) VCF-style: chr17-41228559-A-T.
Other names: c.1121T>A, p.Phe374Tyr (NM_001407973.1, NM_001407974.1, NM_001407975.1 and 3 more transcripts); c.1118T>A, p.Phe373Tyr (NM_001407979.1, NM_001407980.1, NM_001407981.1 and 12 more transcripts); c.1115T>A, p.Phe372Tyr (NM_001408396.1, NM_001408397.1, NM_001408392.1 and 8 more transcripts); c.4217T>A, p.Phe1406Tyr (NM_001407571.1, NM_001407894.1, NM_001407895.1 and 12 more transcripts); c.4496T>A, p.Phe1499Tyr (NM_001407581.1, NM_001407582.1); c.4493T>A, p.Phe1498Tyr (NM_001407583.1, NM_001407585.1, NM_001407587.1 and 1 more transcripts); c.4490T>A, p.Phe1497Tyr (NM_001407590.1, NM_001407591.1); c.4430T>A, p.Phe1477Tyr (NM_001407593.1, NM_001407594.1, NM_001407596.1 and 8 more transcripts); and 71 more; short protein forms F1181Y, F1365Y, F1389Y, F1406Y, F1410Y, F1429Y, F1434Y, F1457Y.
Identifiers: ClinVar variation 4625434 (VCV004625434.1).

ClinVar aggregate classification (germline): Uncertain significance (1 of 4 stars; one submission).

Conditions:
Hereditary cancer-predisposing syndrome. Also called: Neoplastic Syndromes, Hereditary; Tumor predisposition; Hereditary Cancer Syndrome; Hereditary neoplastic syndrome. Identifiers: Orphanet 140162, MedGen C0027672, MeSH D009386, MONDO:0015356.

Submission:

Ambry Genetics
Classification: Uncertain significance for Hereditary cancer-predisposing syndrome. Last evaluated: 2025-11-05. Review status: criteria provided, single submitter. Criteria: Ambry Variant Classification Scheme 2023. Collection method: clinical testing. Allele origin: germline.
Comment: The p.F1477Y variant (also known as c.4430T>A), located in coding exon 12 of the BRCA1 gene, results from a T to A substitution at nucleotide position 4430. The phenylalanine at codon 1477 is replaced by tyrosine, an amino acid with highly similar properties. This amino acid position is not well conserved in available vertebrate species. In addition, this alteration is predicted to be tolerated by in silico analysis. Based on the available evidence, the clinical significance of this variant remains unclear.